The following is an entry in ClinVar:

NM_003640.5(ELP1):c.2026G>A (p.Gly676Ser)

Gene: ELP1 (elongator acetyltransferase complex subunit 1; minus strand). Cytogenetic location: 9q31.3.
Variant type: single nucleotide variant.
Coding change: c.2026G>A on transcript NM_003640.5 (MANE Select); coding-DNA position 2026, G replaced by A.
Protein change: p.Gly676Ser; replaces glycine 676 with serine.
Molecular consequence: missense variant.
Genome position (GRCh38, 1-based): chr9:108,900,364, C>T on the plus strand (G>A on the coding strand, the complement: ELP1 is on the minus strand). VCF-style: chr9-108900364-C-T. GRCh37 (hg19) VCF-style: chr9-111662644-C-T.
Other names: c.1684G>A, p.Gly562Ser (NM_001318360.2); c.979G>A, p.Gly327Ser (NM_001330749.2); c.2026G>A (NM_003640.4); short protein forms G676S, G327S, G562S.
Identifiers: ClinVar variation 697084 (VCV000697084.33), dbSNP rs537930129, ClinGen allele CA5174792.
Genomic context (GRCh38, chr9:108,900,364, plus strand): 5'-GTGAACCCCTCTCCACTTTCCGCAGAACTTCCCCATGGGACACATGATTGCTGCTCAGGC[C>T]GGCCTGTAATGCTAAACACACCATTAACTAATAAGCCTTAATTATCACAACAAGCCACTC-3'
Protein context (NP_003631.2, residues 666-686): RDASFKTLQA[Gly676Ser]LSSNHVSHGE

ClinVar aggregate classification (germline): Conflicting classifications of pathogenicity. Review status: criteria provided, conflicting classifications (1 of 4 stars). 7 submissions from 7 submitters: Uncertain significance (1); Benign (3); Likely benign (2). 1 of the submissions does not count toward it. Last evaluated 2026-01-30.

Conditions:
ELP1-related disorder. Also called: ELP1-related condition.
Familial dysautonomia. Also called: HSAN III; FD. Identifiers: Orphanet 1764, MedGen C0013364, MONDO:0009131, OMIM 223900. Disease mechanism: loss of function.

Allele frequency attached by ClinVar (database versions not stated): gnomAD 0.00004 and 0.00050; TOPMed 0.00010; gnomAD exomes 0.00121; 1000 Genomes Project 0.00180; 1000 Genomes Project 30x 0.00187.
gnomAD v4.1: 1,171 of 1,613,774 alleles (0.073%); highest among the groups gnomAD compares: South Asian, 1.1%; 24 homozygotes.

Submissions (7):

Labcorp Genetics (formerly Invitae), Labcorp
Classification: Benign. Last evaluated: 2026-01-30. Review status: criteria provided, single submitter. Criteria: Invitae Variant Classification Sherloc (09022015). Collection method: clinical testing. Allele origin: germline.

PreventionGenetics, part of Exact Sciences
Classification: Benign for ELP1-related condition. Last evaluated: 2025-08-13. Review status: criteria provided, single submitter. Criteria: ACMG Guidelines, 2015. Collection method: clinical testing. Allele origin: germline.
Comment: This variant is classified as benign based on ACMG/AMP sequence variant interpretation guidelines (Richards et al. 2015 PMID: 25741868, with internal and published modifications).

CeGaT Center for Human Genetics Tuebingen
Classification: Benign. Last evaluated: 2025-07-01. Review status: criteria provided, single submitter. Criteria: CeGaT Center For Human Genetics Tuebingen Variant Classification Criteria Version 2. Collection method: clinical testing. Allele origin: germline. Affected: yes. Observed: 3 variant alleles.
Comment: ELP1: BP4, BS1, BS2

Blueprint Genetics
Classification: Likely benign. Last evaluated: 2024-11-04. Review status: criteria provided, single submitter. Criteria: ACMG Guidelines, 2015. Collection method: clinical testing. Allele origin: germline.

Ambry Genetics
Classification: Likely benign. Last evaluated: 2021-09-24. Review status: criteria provided, single submitter. Criteria: Ambry Variant Classification Scheme 2023. Collection method: clinical testing. Allele origin: germline.

Illumina Laboratory Services, Illumina
Classification: Uncertain significance for Familial dysautonomia. Last evaluated: 2018-01-12. Review status: criteria provided, single submitter. Criteria: ICSL Variant Classification Criteria 13 December 2019. Collection method: clinical testing. Allele origin: germline.

Natera, Inc.
Classification: Benign for Hereditary sensory and autonomic neuropathy type III. Last evaluated: 2019-12-19. Review status: no assertion criteria provided. Collection method: clinical testing. Allele origin: germline. Not counted in ClinVar's aggregate classification.